The following is an entry in ClinVar:

ClinVar aggregate classification (germline): Benign/Likely benign. Review status: criteria provided, multiple submitters, no conflicts (2 of 4 stars). 2 submissions from 2 submitters: Benign (1); Likely benign (1). Last evaluated 2025-04-09.

Conditions:
Hereditary cancer-predisposing syndrome. Also called: Tumor predisposition; Neoplastic Syndromes, Hereditary; Hereditary Cancer Syndrome; Hereditary neoplastic syndrome. Identifiers: Orphanet 140162, MedGen C0027672, MeSH D009386, MONDO:0015356.
Tuberous sclerosis 1 (TSC1). Identifiers: Orphanet 805, MedGen C1854465, MONDO:0008612, OMIM 191100.

Submissions (2):

Myriad Genetics, Inc.
Classification: Benign for Tuberous sclerosis 1. Last evaluated: 2025-04-09. Review status: criteria provided, single submitter. Criteria: Myriad Autosomal Dominant, Autosomal Recessive and X-Linked Classification Criteria (2023). Collection method: clinical testing. Allele origin: unknown.
Comment: This variant is considered benign. This variant is a silent/synonymous amino acid change and it is not expected to impact splicing.

Ambry Genetics
Classification: Likely benign for Hereditary cancer-predisposing syndrome. Last evaluated: 2020-12-24. Review status: criteria provided, single submitter. Criteria: Ambry Variant Classification Scheme 2023. Collection method: clinical testing. Allele origin: germline.

NM_000368.5(TSC1):c.1320T>C (p.Asn440=)

Gene: TSC1 (TSC complex subunit 1; minus strand). Cytogenetic location: 9q34.13.
Variant type: single nucleotide variant.
Coding change: c.1320T>C on transcript NM_000368.5 (MANE Select); coding-DNA position 1320, T replaced by C.
Protein change: p.Asn440=; no amino-acid change (asparagine 440 retained).
Molecular consequence: synonymous variant. On other transcripts: non-coding transcript variant (5).
Genome position (GRCh38, 1-based): chr9:132,907,314, A>G on the plus strand (T>C on the coding strand, the complement: TSC1 is on the minus strand). VCF-style: chr9-132907314-A-G. GRCh37 (hg19) VCF-style: chr9-135782701-A-G.
Other names: c.1317T>C, p.Asn439= (NM_001162426.2, NM_001406597.1, NM_001406598.1 and 6 more transcripts); c.1167T>C, p.Asn389= (NM_001162427.2, NM_001406610.1); c.957T>C, p.Asn319= (NM_001362177.2, NM_001406614.1, NM_001406615.1 and 5 more transcripts); c.1320T>C, p.Asn440= (NM_001406592.1, NM_001406593.1, NM_001406594.1 and 7 more transcripts); c.1164T>C, p.Asn388= (NM_001406611.1, NM_001406612.1, NM_001406613.1); c.954T>C, p.Asn318= (NM_001406620.1, NM_001406621.1, NM_001406622.1 and 2 more transcripts); c.369T>C, p.Asn123= (NM_001406626.1); c.366T>C, p.Asn122= (NM_001406627.1, NM_001406628.1); and 1 more.
Identifiers: ClinVar variation 1769909 (VCV001769909.3), dbSNP rs2131879370, ClinGen allele CA467592114.